The following is an entry in ClinVar:

NM_001369.3(DNAH5):c.11055_11056delinsAGAGACAGTAAGAGACAGT (p.Asp3685fs)

Gene: DNAH5 (dynein axonemal heavy chain 5; minus strand). Cytogenetic location: 5p15.2.
Variant type: Indel.
Coding change: c.11055_11056delinsAGAGACAGTAAGAGACAGT on transcript NM_001369.3 (MANE Select); coding-DNA positions 11055 to 11056, TG replaced by AGAGACAGTAAGAGACAGT.
Protein change: p.Asp3685fs; shifts the reading frame from aspartic acid 3685.
Molecular consequence: frameshift variant.
Genome position (GRCh38, 1-based): chr5:13,751,233-13,751,234, CA replaced by ACTGTCTCTTACTGTCTCT on the plus strand (TG replaced by AGAGACAGTAAGAGACAGT on the coding strand, the reverse complement: DNAH5 is on the minus strand). VCF-style: chr5-13751233-CA-ACTGTCTCTTACTGTCTCT. GRCh37 (hg19) VCF-style: chr5-13751342-CA-ACTGTCTCTTACTGTCTCT.
Other names: short protein forms D3685fs.
Identifiers: ClinVar variation 5010397 (VCV005010397.1).

ClinVar aggregate classification (germline): Pathogenic (1 of 4 stars; one submission).

Conditions:
Primary ciliary dyskinesia 3. Identifiers: Orphanet 244, MedGen C1837618, MONDO:0012085, OMIM 608644.

Submission:

Myriad Genetics, Inc.
Classification: Pathogenic for Primary ciliary dyskinesia 3. Last evaluated: 2024-05-14. Review status: criteria provided, single submitter. Criteria: Myriad Autosomal Dominant, Autosomal Recessive and X-Linked Classification Criteria (2023). Collection method: clinical testing. Allele origin: unknown.
Comment: NM_001369.2(DNAH5):c.11055_11056del2ins19(D3685Efs*29) is expected to be pathogenic in the context of primary ciliary dyskinesia, DNAH5-related. This variant is predicted to lead to an abnormal or absent protein product due to the creation of a premature termination codon in DNAH5, a gene where loss-of-function variants are known to be pathogenic. Please note: this variant was assessed in the context of healthy population screening.